The following is an entry in ClinVar:

NM_030632.3(ASXL3):c.2965C>G (p.Arg989Gly)

Gene: ASXL3 (ASXL transcriptional regulator 3; plus strand). Cytogenetic location: 18q12.1.
Variant type: single nucleotide variant.
Coding change: c.2965C>G on transcript NM_030632.3 (MANE Select); coding-DNA position 2965, C replaced by G.
Protein change: p.Arg989Gly; replaces arginine 989 with glycine.
Molecular consequence: missense variant.
Genome position (GRCh38, 1-based): chr18:33,740,369, C>G. VCF-style: chr18-33740369-C-G. GRCh37 (hg19) VCF-style: chr18-31320333-C-G.
Other names: c.2965C>G (NM_030632.2); short protein forms R989G.
Identifiers: ClinVar variation 389938 (VCV000389938.35), dbSNP rs190659120, ClinGen allele CA8933989.

ClinVar aggregate classification (germline): Benign/Likely benign. Review status: criteria provided, multiple submitters, no conflicts (2 of 4 stars). 8 submissions from 8 submitters: Benign (4); Likely benign (3). 1 of the submissions does not count toward it. Last evaluated 2026-08-01.

Conditions:
Inborn genetic diseases. Identifiers: MedGen C0950123, MeSH D030342.
Bainbridge-Ropers syndrome. Also called: Severe feeding difficulties-failure to thrive-microcephaly due to ASXL3 deficiency syndrome. Identifiers: Orphanet 352577, MedGen C4750837, MONDO:0014205, OMIM 615485.
ASXL3-related disorder. Also called: ASXL3-related condition. Identifiers: MedGen CN381524.

Allele frequency attached by ClinVar (database versions not stated): ExAC 0.00166; 1000 Genomes Project 0.00140; 1000 Genomes Project 30x 0.00141; ESP Exome Variant Server 0.00151; TOPMed 0.00120; gnomAD 0.00134.
gnomAD v4.1: 2,929 of 1,609,562 alleles (0.18%); highest among the groups gnomAD compares: Non-Finnish European, 0.22%; 11 homozygotes.

Submissions (8):

CeGaT Center for Human Genetics Tuebingen
Classification: Likely benign. Last evaluated: 2026-08-01. Review status: criteria provided, single submitter. Criteria: CeGaT Center For Human Genetics Tuebingen Variant Classification Criteria Version 2. Collection method: clinical testing. Allele origin: germline. Affected: yes. Observed: 19 variant alleles.
Comment: ASXL3: BP4

Ambry Genetics
Classification: Likely benign for Inborn genetic diseases. Last evaluated: 2026-07-10. Review status: criteria provided, single submitter. Criteria: Ambry Variant Classification Scheme 2023. Collection method: clinical testing. Allele origin: germline.

Blueprint Genetics
Classification: Likely benign. Last evaluated: 2024-11-25. Review status: criteria provided, single submitter. Criteria: ACMG Guidelines, 2015. Collection method: clinical testing. Allele origin: germline.

Genome-Nilou Lab
Classification: Benign for Bainbridge-Ropers syndrome. Last evaluated: 2021-12-05. Review status: criteria provided, single submitter. Criteria: ACMG Guidelines, 2015. Collection method: clinical testing. Allele origin: germline. Affected: no.

GeneDx
Classification: Benign. Last evaluated: 2019-04-22. Review status: criteria provided, single submitter. Criteria: GeneDx Variant Classification Process June 2021. Collection method: clinical testing. Allele origin: germline. Affected: yes.
Comment: This variant is associated with the following publications: (PMID: 28785287)

Genetic Services Laboratory, University of Chicago
Classification: Benign. Last evaluated: 2016-11-22. Review status: criteria provided, single submitter. Criteria: ACMG Guidelines, 2015. Collection method: clinical testing. Allele origin: germline. Affected: no.

Breakthrough Genomics
Classification: Benign. Review status: criteria provided, single submitter. Criteria: ACMG Guidelines, 2015. Collection method: not provided. Allele origin: germline. Inheritance: Autosomal dominant inheritance. Affected: yes.

PreventionGenetics, part of Exact Sciences
Classification: Benign for ASXL3-related condition. Last evaluated: 2022-03-01. Review status: no assertion criteria provided. Collection method: clinical testing. Allele origin: germline. Not counted in ClinVar's aggregate classification.
Comment: This variant is classified as benign based on ACMG/AMP sequence variant interpretation guidelines (Richards et al. 2015 PMID: 25741868, with internal and published modifications).